The following is an entry in ClinVar:

ClinVar aggregate classification (germline): Likely pathogenic (1 of 4 stars; one submission).

Conditions:
8q24.3 microdeletion syndrome. Also called: CHROMOSOME 8q24.3 DELETION SYNDROME; Verheij syndrome. Identifiers: Orphanet 508488, MedGen C3810023, MONDO:0014263, OMIM 615583.

Submission:

Department of Molecular Genetics, Istishari Arab Hospital
Classification: Likely pathogenic for 8q24.3 microdeletion syndrome. Last evaluated: 2026-06-22. Review status: criteria provided, single submitter. Criteria: ACMG Guidelines, 2015. Collection method: clinical testing. Allele origin: germline. Inheritance: Autosomal dominant inheritance. Affected: yes.
Comment: The PUF60 variant c.618dup, p.Asn207Glnfs*14 creates a shift in the reading frame at position 207 resulting in a termination codon 14 codons downstream in exon 8 (of 12). The variant is not observed in the gnomAD v4.1.0 dataset and, to the best of our knowledge, has not been reported in the literature. It is classified as likely pathogenic based on ACMG/AMP/ClinGen SVI guidelines.

NM_078480.3(PUF60):c.618dup (p.Asn207fs)

Gene: PUF60 (poly(U) binding splicing factor 60; minus strand). Cytogenetic location: 8q24.3.
Variant type: Duplication.
Coding change: c.618dup on transcript NM_078480.3 (MANE Select); coding-DNA position 618, one base duplicated (C; older notation c.618dupC).
Protein change: p.Asn207fs; shifts the reading frame from asparagine 207.
Molecular consequence: frameshift variant.
Genome position (GRCh38, 1-based): chr8:143,818,061, G duplicated on the plus strand (C on the coding strand, the reverse complement: PUF60 is on the minus strand). VCF-style (leftmost placement, unchanged base first): chr8-143818060-T-TG. GRCh37 (hg19) VCF-style: chr8-144900230-T-TG.
Other names: p.Asn207Glnfs*14; c.489dup, p.Asn164fs (NM_001136033.3); c.564dup, p.Asn189fs (NM_001271096.2); c.480dup, p.Asn161fs (NM_001271097.2); c.615dup, p.Asn206fs (NM_001271098.2); c.531dup, p.Asn178fs (NM_001271099.2); c.438dup, p.Asn147fs (NM_001271100.2); c.729dup, p.Asn244fs (NM_001362895.2, NM_001362896.2); and 2 more; short protein forms N147fs, N161fs, N164fs, N178fs, N189fs, N190fs, N206fs, N207fs.
Identifiers: ClinVar variation 4856999 (VCV004856999.1).